The following is an entry in ClinVar:

NM_015629.4(PRPF31):c.107A>G (p.Gln36Arg)

Gene: PRPF31 (pre-mRNA processing factor 31; plus strand). Cytogenetic location: 19q13.42.
Variant type: single nucleotide variant.
Coding change: c.107A>G on transcript NM_015629.4 (MANE Select); coding-DNA position 107, A replaced by G.
Protein change: p.Gln36Arg; replaces glutamine 36 with arginine.
Molecular consequence: missense variant.
Genome position (GRCh38, 1-based): chr19:54,118,385, A>G. VCF-style: chr19-54118385-A-G. GRCh37 (hg19) VCF-style: chr19-54621765-A-G.
Other names: short protein forms Q36R.
Identifiers: ClinVar variation 330093 (VCV000330093.9), dbSNP rs781412138, ClinGen allele CA309320826.

ClinVar aggregate classification (germline): Uncertain significance. Review status: criteria provided, multiple submitters, no conflicts (2 of 4 stars). 2 submissions from 2 submitters: Uncertain significance (2). Last evaluated 2025-09-08.

Conditions:
Retinitis pigmentosa (RP). Identifiers: Orphanet 791, MedGen C0035334, MeSH D012174, MONDO:0019200, OMIM 268000. Inheritance: Autosomal dominant, autosomal recessive and X linked inheritance.

Allele frequency attached by ClinVar (database versions not stated): gnomAD exomes 0.00001 and 0.00002; ExAC 0.00002.

Submissions (2):

Labcorp Genetics (formerly Invitae), Labcorp
Classification: Uncertain significance. Last evaluated: 2025-09-08. Review status: criteria provided, single submitter. Criteria: Invitae Variant Classification Sherloc (09022015). Collection method: clinical testing. Allele origin: germline.
Comment: This sequence change replaces glutamine, which is neutral and polar, with arginine, which is basic and polar, at codon 36 of the PRPF31 protein (p.Gln36Arg). This variant is present in population databases (rs781412138, gnomAD 0.01%). This variant has not been reported in the literature in individuals affected with PRPF31-related conditions. ClinVar contains an entry for this variant (Variation ID: 330093). Experimental studies and prediction algorithms are not available or were not evaluated, and the functional significance of this variant is currently unknown. In summary, the available evidence is currently insufficient to determine the role of this variant in disease. Therefore, it has been classified as a Variant of Uncertain Significance.

Illumina Laboratory Services, Illumina
Classification: Uncertain significance for Retinitis pigmentosa. Last evaluated: 2018-01-13. Review status: criteria provided, single submitter. Criteria: ICSL Variant Classification Criteria 13 December 2019. Collection method: clinical testing. Allele origin: germline.